The following is an entry in ClinVar:

ClinVar aggregate classification (germline): Pathogenic (1 of 4 stars; one submission).

Submission:

GeneDx
Classification: Pathogenic. Last evaluated: 2017-08-22. Review status: criteria provided, single submitter. Criteria: GeneDx Variant Classification (06012015). Collection method: clinical testing. Allele origin: germline. Affected: yes.
Comment: The c.6249delC variant in the ANKRD11 gene has not been reported previously as a pathogenic variant nor as a benign variant, to our knowledge. The c.6249delC variant causes a frameshift starting with codon Alanine 2084, changes this amino acid to a Proline residue, and creates a premature Stop codon at position 3 of the new reading frame, denoted p.Ala2084ProfsX3. This variant is predicted to cause loss of normal protein function either through protein truncation or nonsense-mediated mRNA decay. The c.6249delC variant is not observed in large population cohorts (Lek et al., 2016; 1000 Genomes Consortium et al., 2015; Exome Variant Server). Therefore, we interpret c.6249delC as a pathogenic variant.

NM_013275.6(ANKRD11):c.6249del (p.Ala2084fs)

Gene: ANKRD11 (ankyrin repeat domain containing 11; minus strand). Cytogenetic location: 16q24.3.
Variant type: Deletion.
Coding change: c.6249del on transcript NM_013275.6 (MANE Select); coding-DNA position 6249, one base deleted (C; older notation c.6249delC).
Protein change: p.Ala2084fs; shifts the reading frame from alanine 2084.
Molecular consequence: frameshift variant.
Genome position (GRCh38, 1-based): chr16:89,280,293, G deleted on the plus strand (C on the coding strand, the reverse complement: ANKRD11 is on the minus strand); the first of 3 consecutive G bases (chr16:89,280,293-89,280,295); deleting any one gives the same sequence. VCF-style (leftmost placement, unchanged base first): chr16-89280292-CG-C. GRCh37 (hg19) VCF-style: chr16-89346700-CG-C.
Other names: c.6249del, p.Ala2084fs (NM_001256182.2, NM_001256183.2); short protein forms A2084fs.
Identifiers: ClinVar variation 451702 (VCV000451702.2), dbSNP rs1555525917, ClinGen allele CA658658516.